The following is an entry in ClinVar:

NM_007294.4(BRCA1):c.1745del (p.Thr582fs)

Gene: BRCA1 (BRCA1 DNA repair associated; minus strand). Cytogenetic location: 17q21.31.
Variant type: Deletion.
Coding change: c.1745del on transcript NM_007294.4 (MANE Select); coding-DNA position 1745, one base deleted (C; older notation c.1745delC).
Protein change: p.Thr582fs; shifts the reading frame from threonine 582.
Molecular consequence: frameshift variant. On other transcripts: intron variant (137).
Genome position (GRCh38, 1-based): chr17:43,093,786, G deleted on the plus strand (C on the coding strand, the reverse complement: BRCA1 is on the minus strand). VCF-style (leftmost placement, unchanged base first): chr17-43093785-CG-C. GRCh37 (hg19) VCF-style: chr17-41245802-CG-C.
Other names: c.1481del, p.Thr494fs (NM_001407922.1, NM_001407923.1, NM_001407924.1 and 9 more transcripts); c.1478del, p.Thr493fs (NM_001407930.1, NM_001407931.1, NM_001407932.1 and 2 more transcripts); c.1622del, p.Thr541fs (NM_001407937.1, NM_001407938.1, NM_001407939.1 and 19 more transcripts); c.1619del, p.Thr540fs (NM_001407940.1, NM_001407941.1, NM_001407649.1 and 11 more transcripts); c.1604del, p.Thr535fs (NM_001407942.1, NM_001407944.1, NM_001407945.1 and 29 more transcripts); c.1601del, p.Thr534fs (NM_001407943.1, NM_001407964.1, NM_001407740.1 and 20 more transcripts); c.1412del, p.Thr471fs (NM_001407946.1, NM_001407947.1, NM_001407948.1 and 6 more transcripts); c.1409del, p.Thr470fs (NM_001407954.1, NM_001407955.1, NM_001407956.1 and 1 more transcripts); and 40 more; short protein forms T535fs, T582fs, T286fs, T493fs, T515fs, T555fs, T455fs, T512fs.
Identifiers: ClinVar variation 819989 (VCV000819989.8), dbSNP rs1597874447, ClinGen allele CA915950124.

ClinVar aggregate classification (germline): Pathogenic/Likely pathogenic. Review status: criteria provided, multiple submitters, no conflicts (2 of 4 stars). 3 submissions from 3 submitters: Pathogenic (2); Likely pathogenic (1). Last evaluated 2024-02-18.

Conditions:
Hereditary breast ovarian cancer syndrome. Also called: BRCA1- and BRCA2-Associated Hereditary Breast and Ovarian Cancer; Hereditary breast and ovarian cancer syndrome (HBOC); Hereditary breast and ovarian cancer syndrome; Breast and ovarian cancer; Hereditary breast and ovarian cancer; Hereditary breast and/or ovarian cancer syndrome. Identifiers: Orphanet 145, MedGen C0677776, MeSH D061325, MONDO:0003582. Disease mechanism: loss of function.
Hereditary cancer-predisposing syndrome. Also called: Hereditary Cancer Syndrome; Hereditary neoplastic syndrome; Neoplastic Syndromes, Hereditary; Tumor predisposition. Identifiers: Orphanet 140162, MedGen C0027672, MeSH D009386, MONDO:0015356.
Breast-ovarian cancer, familial, susceptibility to, 1 (BROVCA1). Also called: OVARIAN CANCER, SUSCEPTIBILITY TO; BRCA1 Hereditary Breast and Ovarian Cancer. Identifiers: Orphanet 145, MedGen C2676676, MONDO:0011450, OMIM 604370. Disease mechanism: loss of function.

Submissions (3):

Labcorp Genetics (formerly Invitae), Labcorp
Classification: Pathogenic for Hereditary breast ovarian cancer syndrome. Last evaluated: 2024-02-18. Review status: criteria provided, single submitter. Criteria: Invitae Variant Classification Sherloc (09022015). Collection method: clinical testing. Allele origin: germline.
Comment: This sequence change creates a premature translational stop signal (p.Thr582Argfs*6) in the BRCA1 gene. It is expected to result in an absent or disrupted protein product. Loss-of-function variants in BRCA1 are known to be pathogenic (PMID: 20104584). This variant is not present in population databases (gnomAD no frequency). This variant has not been reported in the literature in individuals affected with BRCA1-related conditions. ClinVar contains an entry for this variant (Variation ID: 819989). For these reasons, this variant has been classified as Pathogenic.

Baylor Genetics
Classification: Likely pathogenic for Breast-ovarian cancer, familial, susceptibility to, 1. Last evaluated: 2023-12-21. Review status: criteria provided, single submitter. Criteria: ACMG Guidelines, 2015. Collection method: clinical testing. Allele origin: unknown.

Ambry Genetics
Classification: Pathogenic for Hereditary cancer-predisposing syndrome. Last evaluated: 2019-07-10. Review status: criteria provided, single submitter. Criteria: Ambry Variant Classification Scheme 2023. Collection method: clinical testing. Allele origin: germline.
Comment: The c.1745delC pathogenic mutation, located in coding exon 9 of the BRCA1 gene, results from a deletion of one nucleotide at nucleotide position 1745, causing a translational frameshift with a predicted alternate stop codon (p.T582Rfs*6). This alteration is expected to result in loss of function by premature protein truncation or nonsense-mediated mRNA decay. As such, this alteration is interpreted as a disease-causing mutation.

Literature cited by the submitters: PubMed 20104584 (cited by Labcorp Genetics (formerly Invitae), Labcorp).